The following is an entry in ClinVar:

ClinVar aggregate classification (germline): Uncertain significance. Review status: criteria provided, multiple submitters, no conflicts (2 of 4 stars). 2 submissions from 2 submitters: Uncertain significance (2). Last evaluated 2025-09-26.

Conditions:
Inborn genetic diseases. Identifiers: MedGen C0950123, MeSH D030342.

Allele frequency attached by ClinVar (database versions not stated): gnomAD 0.00001; TOPMed 0.00001.

Submissions (2):

Ambry Genetics
Classification: Uncertain significance for Inborn genetic diseases. Last evaluated: 2025-09-26. Review status: criteria provided, single submitter. Criteria: Ambry Variant Classification Scheme 2023. Collection method: clinical testing. Allele origin: germline.

Labcorp Genetics (formerly Invitae), Labcorp
Classification: Uncertain significance. Last evaluated: 2024-10-24. Review status: criteria provided, single submitter. Criteria: Invitae Variant Classification Sherloc (09022015). Collection method: clinical testing. Allele origin: germline.
Comment: This sequence change replaces glycine, which is neutral and non-polar, with aspartic acid, which is acidic and polar, at codon 62 of the MYO15A protein (p.Gly62Asp). This variant is present in population databases (no rsID available, gnomAD 0.007%). This variant has not been reported in the literature in individuals affected with MYO15A-related conditions. ClinVar contains an entry for this variant (Variation ID: 2175682). Invitae Evidence Modeling of protein sequence and biophysical properties (such as structural, functional, and spatial information, amino acid conservation, physicochemical variation, residue mobility, and thermodynamic stability) indicates that this missense variant is not expected to disrupt MYO15A protein function with a negative predictive value of 95%. In summary, the available evidence is currently insufficient to determine the role of this variant in disease. Therefore, it has been classified as a Variant of Uncertain Significance.

NM_016239.4(MYO15A):c.185G>A (p.Gly62Asp)

Gene: MYO15A (myosin XVA; plus strand). Cytogenetic location: 17p11.2.
Variant type: single nucleotide variant.
Coding change: c.185G>A on transcript NM_016239.4 (MANE Select); coding-DNA position 185, G replaced by A.
Protein change: p.Gly62Asp; replaces glycine 62 with aspartic acid.
Molecular consequence: missense variant.
Genome position (GRCh38, 1-based): chr17:18,118,985, G>A. VCF-style: chr17-18118985-G-A. GRCh37 (hg19) VCF-style: chr17-18022299-G-A.
Other names: c.185G>A (NM_016239.3); short protein forms G62D.
Identifiers: ClinVar variation 2175682 (VCV002175682.4), dbSNP rs1323385240, ClinGen allele CA398589641.
Genomic context (GRCh38, chr17:18,118,985, plus strand): 5'-ACCGTACACCCAAGATCTCCAAGAAGGGCCAGTTCCGCAGCGCCTCGGCCTTCTTCTGGG[G>A]CCTCCACACCGGCCCCCAGAAGACCAAGCGCAAGAGGAAGGCCCGCACCGTGCTCAAGTC-3'
Protein context (NP_057323.3, residues 52-72): QFRSASAFFW[Gly62Asp]LHTGPQKTKR